The following is an entry in ClinVar:

ClinVar aggregate classification (germline): Uncertain significance. Review status: criteria provided, multiple submitters, no conflicts (2 of 4 stars). 2 submissions from 2 submitters: Uncertain significance (2). Last evaluated 2025-04-25.

Submissions (2):

GeneDx
Classification: Uncertain significance. Last evaluated: 2025-04-25. Review status: criteria provided, single submitter. Criteria: GeneDx Variant Classification Process June 2021. Collection method: clinical testing. Allele origin: germline. Affected: yes.
Comment: Not observed at significant frequency in large population cohorts (gnomAD); In silico analysis supports that this missense variant has a deleterious effect on protein structure/function; Has not been previously published as pathogenic or benign to our knowledge; This variant is associated with the following publications: (PMID: 23472759)

Labcorp Genetics (formerly Invitae), Labcorp
Classification: Uncertain significance. Last evaluated: 2025-02-15. Review status: criteria provided, single submitter. Criteria: Invitae Variant Classification Sherloc (09022015). Collection method: clinical testing. Allele origin: germline.
Comment: This sequence change replaces cysteine, which is neutral and slightly polar, with glycine, which is neutral and non-polar, at codon 792 of the LAMB1 protein (p.Cys792Gly). This variant is not present in population databases (gnomAD no frequency). This variant has not been reported in the literature in individuals affected with LAMB1-related conditions. An algorithm developed to predict the effect of missense changes on protein structure and function (PolyPhen-2) suggests that this variant is likely to be disruptive. In summary, the available evidence is currently insufficient to determine the role of this variant in disease. Therefore, it has been classified as a Variant of Uncertain Significance.

NM_002291.3(LAMB1):c.2374T>G (p.Cys792Gly)

Gene: LAMB1 (laminin subunit beta 1; minus strand). Cytogenetic location: 7q31.1.
Variant type: single nucleotide variant.
Coding change: c.2374T>G on transcript NM_002291.3 (MANE Select); coding-DNA position 2374, T replaced by G.
Protein change: p.Cys792Gly; replaces cysteine 792 with glycine.
Molecular consequence: missense variant.
Genome position (GRCh38, 1-based): chr7:107,959,775, A>C on the plus strand (T>G on the coding strand, the complement: LAMB1 is on the minus strand). VCF-style: chr7-107959775-A-C. GRCh37 (hg19) VCF-style: chr7-107600220-A-C.
Other names: short protein forms C792G.
Identifiers: ClinVar variation 4527628 (VCV004527628.2).
Genomic context (GRCh38, chr7:107,959,775, plus strand): 5'-CAAAAGTTCCAGGTGCACATCTGTTGCAGGTTCTTCCAACCACGTTGGGCCGGCACTGGC[A>C]CTGGCCTCCGTTGGGATCACACACGGAACTTAACGAACCCTGAGGGTCGCATTCACAAGC-3'
Protein context (NP_002282.2, residues 782-802): SSVCDPNGGQ[Cys792Gly]QCRPNVVGRT